The following is an entry in ClinVar:

NM_000238.4(KCNH2):c.2015G>A (p.Arg672His)

Gene: KCNH2 (potassium voltage-gated channel subfamily H member 2; minus strand). Cytogenetic location: 7q36.1.
Variant type: single nucleotide variant.
Coding change: c.2015G>A on transcript NM_000238.4 (MANE Select); coding-DNA position 2015, G replaced by A.
Protein change: p.Arg672His; replaces arginine 672 with histidine.
Molecular consequence: missense variant.
Genome position (GRCh38, 1-based): chr7:150,951,051, C>T on the plus strand (G>A on the coding strand, the complement: KCNH2 is on the minus strand). VCF-style: chr7-150951051-C-T. GRCh37 (hg19) VCF-style: chr7-150648139-C-T.
Other names: c.995G>A, p.Arg332His (NM_001204798.2, NM_172057.3); c.1727G>A, p.Arg576His (NM_001406753.1, NM_001406756.1); c.1838G>A, p.Arg613His (NM_001406755.1); c.1715G>A, p.Arg572His (NM_001406757.1); c.2015G>A, p.Arg672His (NM_172056.3); short protein forms R332H, R672H, R576H, R572H, R613H.
Identifiers: ClinVar variation 1413135 (VCV001413135.9), dbSNP rs745370146, ClinGen allele CA030408.

ClinVar aggregate classification (germline): Uncertain significance. Review status: criteria provided, multiple submitters, no conflicts (2 of 4 stars). 2 submissions from 2 submitters: Uncertain significance (2). Last evaluated 2025-11-28.

Conditions:
Cardiovascular phenotype. Identifiers: MedGen CN230736.
Long QT syndrome (LQTS). Identifiers: MedGen C0023976, MeSH D008133, MONDO:0002442. Disease mechanism: loss of function. Inheritance: Various modes of inheritance.

Allele frequency attached by ClinVar (database versions not stated): gnomAD exomes below 0.00001 and 0.00001; TOPMed below 0.00001; ExAC 0.00001.

Submissions (2):

Labcorp Genetics (formerly Invitae), Labcorp
Classification: Uncertain significance for Long QT syndrome. Last evaluated: 2025-11-28. Review status: criteria provided, single submitter. Criteria: Invitae Variant Classification Sherloc (09022015). Collection method: clinical testing. Allele origin: germline.
Comment: This sequence change replaces arginine, which is basic and polar, with histidine, which is basic and polar, at codon 672 of the KCNH2 protein (p.Arg672His). This variant is present in population databases (rs745370146, gnomAD 0.0009%). This variant has not been reported in the literature in individuals affected with KCNH2-related conditions. ClinVar contains an entry for this variant (Variation ID: 1413135). An algorithm developed to predict the effect of missense changes on protein structure and function (PolyPhen-2) suggests that this variant is likely to be disruptive. In summary, the available evidence is currently insufficient to determine the role of this variant in disease. Therefore, it has been classified as a Variant of Uncertain Significance.

Ambry Genetics
Classification: Uncertain significance for Cardiovascular phenotype. Last evaluated: 2023-06-23. Review status: criteria provided, single submitter. Criteria: Ambry Variant Classification Scheme 2023. Collection method: clinical testing. Allele origin: germline.
Comment: The p.R672H variant (also known as c.2015G>A), located in coding exon 8 of the KCNH2 gene, results from a G to A substitution at nucleotide position 2015. The arginine at codon 672 is replaced by histidine, an amino acid with highly similar properties. This amino acid position is highly conserved in available vertebrate species. In addition, this alteration is predicted to be deleterious by in silico analysis. Since supporting evidence is limited at this time, the clinical significance of this alteration remains unclear.